The following is an entry in ClinVar:

ClinVar aggregate classification (germline): Uncertain significance (1 of 4 stars; one submission).

Submission:

Labcorp Genetics (formerly Invitae), Labcorp
Classification: Uncertain significance. Last evaluated: 2023-07-13. Review status: criteria provided, single submitter. Criteria: Invitae Variant Classification Sherloc (09022015). Collection method: clinical testing. Allele origin: germline.
Comment: This variant has not been reported in the literature in individuals affected with CLCN3-related conditions. This variant is not present in population databases (gnomAD no frequency). This sequence change replaces glutamic acid, which is acidic and polar, with glycine, which is neutral and non-polar, at codon 647 of the CLCN3 protein (p.Glu647Gly). ClinVar contains an entry for this variant (Variation ID: 1956231). In summary, the available evidence is currently insufficient to determine the role of this variant in disease. Therefore, it has been classified as a Variant of Uncertain Significance. Advanced modeling of protein sequence and biophysical properties (such as structural, functional, and spatial information, amino acid conservation, physicochemical variation, residue mobility, and thermodynamic stability) has been performed at Invitae for this missense variant, however the output from this modeling did not meet the statistical confidence thresholds required to predict the impact of this variant on CLCN3 protein function.

NM_001829.4(CLCN3):c.1940A>G (p.Glu647Gly)

Gene: CLCN3 (chloride voltage-gated channel 3; plus strand). Cytogenetic location: 4q33.
Variant type: single nucleotide variant.
Coding change: c.1940A>G on transcript NM_001829.4 (MANE Select); coding-DNA position 1940, A replaced by G.
Protein change: p.Glu647Gly; replaces glutamic acid 647 with glycine.
Molecular consequence: missense variant.
Genome position (GRCh38, 1-based): chr4:169,707,057, A>G. VCF-style: chr4-169707057-A-G. GRCh37 (hg19) VCF-style: chr4-170628208-A-G.
Other names: c.1859A>G, p.Glu620Gly (NM_001243372.2, NM_001243374.2); c.1940A>G, p.Glu647Gly (NM_173872.4); short protein forms E620G, E647G.
Identifiers: ClinVar variation 1956231 (VCV001956231.5), dbSNP rs2477120894, ClinGen allele CA358741100.
Genomic context (GRCh38, chr4:169,707,057, plus strand): 5'-AAGGCATTTATGAAGCACACATCCGATTAAATGGATACCCTTTCTTGGATGCAAAAGAAG[A>G]ATTCACTCATACCACCCTGGCTGCTGACGTTATGAGACCTCGAAGGAATGATCCTCCCTT-3'
Protein context (NP_001820.2, residues 637-657): NGYPFLDAKE[Glu647Gly]FTHTTLAADV